The following is an entry in ClinVar:

NM_000256.3(MYBPC3):c.1570_1594del (p.His524fs)

Gene: MYBPC3 (myosin binding protein C3; minus strand). Cytogenetic location: 11p11.2.
Variant type: Deletion.
Coding change: c.1570_1594del on transcript NM_000256.3 (MANE Select); coding-DNA positions 1570 to 1594, 25 bases deleted (CACTATGCACTGTGCACTAGCGGGG).
Protein change: p.His524fs; shifts the reading frame from histidine 524.
Molecular consequence: frameshift variant.
Genome position (GRCh38, 1-based): chr11:47,342,608-47,342,632, CCCCGCTAGTGCACAGTGCATAGTG deleted on the plus strand (CACTATGCACTGTGCACTAGCGGGG on the coding strand, the reverse complement: MYBPC3 is on the minus strand); deleting any 25 consecutive bases within chr11:47,342,608-47,342,638 gives the same sequence; the c. name uses the placement nearest the transcript's 3' end. VCF-style (leftmost placement, unchanged base first): chr11-47342607-CCCCCGCTAGTGCACAGTGCATAGTG-C. GRCh37 (hg19) VCF-style: chr11-47364158-CCCCCGCTAGTGCACAGTGCATAGTG-C.
Other names: c.1570_1594del25 (NM_000256.3); c.1570_1594del, p.His524fs (LRG_386t1); short protein forms H524fs.
Identifiers: ClinVar variation 520268 (VCV000520268.11), dbSNP rs1555122156, ClinGen allele CA658797633.
Genomic context (GRCh38, chr11:47,342,607, plus strand): 5'-AAGCCTCATGTGCCCCCCCAGCCAGGCTCACCCTGCACAATGAGCTCAGCCAGCGCCTGG[CCCCCGCTAGTGCACAGTGCATAGTG>C]CCCCGCGTCCTCCAGCATGGCCTCGTTGATGATCAGGTGGTGTCTCTGCCCGTCCTTCTT-3'

ClinVar aggregate classification (germline): Pathogenic. Review status: criteria provided, multiple submitters, no conflicts (2 of 4 stars). 2 submissions from 2 submitters: Pathogenic (2). Last evaluated 2022-07-25.

Conditions:
Hypertrophic cardiomyopathy. Also called: HYPERTROPHIC MYOCARDIOPATHY. Identifiers: Orphanet 217569, MedGen C0007194, MeSH D002312, MONDO:0005045, HP:0001639.
Cardiovascular phenotype. Identifiers: MedGen CN230736.

Submissions (2):

Labcorp Genetics (formerly Invitae), Labcorp
Classification: Pathogenic for Hypertrophic cardiomyopathy. Last evaluated: 2022-07-25. Review status: criteria provided, single submitter. Criteria: Invitae Variant Classification Sherloc (09022015). Collection method: clinical testing. Allele origin: germline.
Comment: For these reasons, this variant has been classified as Pathogenic. ClinVar contains an entry for this variant (Variation ID: 520268). This variant has not been reported in the literature in individuals affected with MYBPC3-related conditions. This variant is not present in population databases (gnomAD no frequency). This sequence change creates a premature translational stop signal (p.His524Alafs*23) in the MYBPC3 gene. It is expected to result in an absent or disrupted protein product. Loss-of-function variants in MYBPC3 are known to be pathogenic (PMID: 19574547).

Ambry Genetics
Classification: Pathogenic for Cardiovascular phenotype. Last evaluated: 2016-02-12. Review status: criteria provided, single submitter. Criteria: Ambry Autosomal Dominant and X-Linked criteria (10/2015). Collection method: clinical testing. Allele origin: germline. Observed: 1 variant allele.
Comment: The c.1570_1594del25 pathogenic mutation, located in coding exon 17 of the MYBPC3 gene, results from a deletion of 25 nucleotides at positions 1570 to 1594 causing a translational frameshift with a predicted alternate stop codon (p.H524Afs*23). This alteration is expected to result in loss of function by premature protein truncation or nonsense-mediated mRNA decay. As such, this alteration is interpreted as a disease-causing mutation.

Literature cited by the submitters: PubMed 19574547 (cited by Labcorp Genetics (formerly Invitae), Labcorp).